The following is an entry in ClinVar:

NM_000054.7(AVPR2):c.189T>C (p.Ala63=)

Gene: AVPR2 (arginine vasopressin receptor 2; plus strand). Cytogenetic location: Xq28.
Variant type: single nucleotide variant.
Coding change: c.189T>C on transcript NM_000054.7 (MANE Select); coding-DNA position 189, T replaced by C.
Protein change: p.Ala63=; no amino-acid change (alanine 63 retained).
Molecular consequence: synonymous variant.
Genome position (GRCh38, 1-based): chrX:153,905,695, T>C. VCF-style: chrX-153905695-T-C. GRCh37 (hg19) VCF-style: chrX-153171149-T-C.
Other names: c.189T>C, p.Ala63= (NM_001146151.3).
Identifiers: ClinVar variation 368074 (VCV000368074.15), dbSNP rs140156037, ClinGen allele CA10554966.
Genomic context (GRCh38, chrX:153,905,695, plus strand): 5'-GCTCTCCATAGTCTTTGTGGCTGTGGCCCTGAGCAATGGCCTGGTGCTGGCGGCCCTAGC[T>C]CGGCGGGGCCGGCGGGGCCACTGGGCACCCATACACGTCTTCATTGGCCACTTGTGCCTG-3'
Protein context (NP_000045.1, residues 53-73): LSNGLVLAAL[Ala63=]RRGRRGHWAP

ClinVar aggregate classification (germline): Benign/Likely benign. Review status: criteria provided, multiple submitters, no conflicts (2 of 4 stars). 4 submissions from 4 submitters: Benign (1); Likely benign (3). Last evaluated 2026-01-28.

Conditions:
Diabetes insipidus, nephrogenic, X-linked. Also called: Nephrogenic Diabetes Insipidus, Type I. Identifiers: Orphanet 223, MedGen C1563705, MONDO:0010581, OMIM 304800.
Nephrogenic syndrome of inappropriate antidiuresis (NSIAD). Identifiers: Orphanet 93606, MedGen C1845202, MONDO:0010356, OMIM 300539.

Allele frequency attached by ClinVar (database versions not stated): 1000 Genomes Project 0.00026; ExAC 0.00031; ESP Exome Variant Server 0.00038; TOPMed 0.00038; gnomAD exomes 0.00051 and 0.00055; gnomAD 0.00053 and 0.00056.

Submissions (4):

Labcorp Genetics (formerly Invitae), Labcorp
Classification: Benign. Last evaluated: 2026-01-28. Review status: criteria provided, single submitter. Criteria: Invitae Variant Classification Sherloc (09022015). Collection method: clinical testing. Allele origin: germline.

Women's Health and Genetics/Laboratory Corporation of America, LabCorp
Classification: Likely benign. Last evaluated: 2024-12-06. Review status: criteria provided, single submitter. Criteria: LabCorp Variant Classification Summary - May 2015. Collection method: clinical testing. Allele origin: germline.

Fulgent Genetics
Classification: Likely benign for Nephrogenic syndrome of inappropriate antidiuresis; Diabetes insipidus, nephrogenic, X-linked. Last evaluated: 2022-01-25. Review status: criteria provided, single submitter. Criteria: ACMG Guidelines, 2015. Collection method: clinical testing. Allele origin: unknown.

Illumina Laboratory Services, Illumina
Classification: Likely benign for Diabetes insipidus, nephrogenic, X-linked. Last evaluated: 2017-04-28. Review status: criteria provided, single submitter. Criteria: ICSL Variant Classification Criteria 13 December 2019. Collection method: clinical testing. Allele origin: germline.
Comment: This variant was observed as part of a predisposition screen in an ostensibly healthy population. A literature search was performed for the gene, cDNA change, and amino acid change (where applicable). No publications were found based on this search. Allele frequency data from public databases allowed determination this variant is unlikely to cause disease. Therefore, this variant is classified as likely benign.